The following is an entry in ClinVar:

ClinVar aggregate classification (germline): Likely pathogenic (1 of 4 stars; one submission).

Submission:

Labcorp Genetics (formerly Invitae), Labcorp
Classification: Likely pathogenic. Last evaluated: 2023-12-21. Review status: criteria provided, single submitter. Criteria: Invitae Variant Classification Sherloc (09022015). Collection method: clinical testing. Allele origin: unknown.
Comment: This variant results in a copy number gain of the genomic region encompassing exon(s) 2-4 of the MAK gene. While the exact position of this variant cannot be determined from the data, sub-genic copy number gains are generally in tandem (PMID: 25640679). This variant is predicted to be out-of-frame, and may result in an absent or disrupted protein product. Loss-of-function variants in MAK are known to be pathogenic (PMID: 21148103, 21825139, 24938718, 29781741). This variant has not been reported in the literature in individuals affected with MAK-related conditions. In summary, the currently available evidence indicates that the variant is pathogenic, but additional data are needed to prove that conclusively. Therefore, this variant has been classified as Likely Pathogenic.

Literature cited by the submitters: PubMed 25640679; PubMed 21148103; PubMed 21825139; PubMed 24938718; PubMed 29781741.

NC_000006.11:g.(?_10813857)_(10819193_?)dup

Gene: MAK (male germ cell associated kinase; minus strand). Cytogenetic location: 6p24.2.
Variant type: Duplication.
Identifiers: ClinVar variation 3246156 (VCV003246156.1).